The following is an entry in ClinVar:

ClinVar aggregate classification (germline): Likely pathogenic (1 of 4 stars; one submission).

Conditions:
Pyruvate dehydrogenase E3-binding protein deficiency (PDHXD). Also called: E3-Binding Protein (Component X) Deficiency; LACTIC ACIDEMIA DUE TO DEFECT IN LIPOYL-CONTAINING COMPONENT X OF THE PYRUVATE DEHYDROGENASE COMPLEX; Lacticacidemia due to PDX1 deficiency; PYRUVATE HYDROGENASE E3-BINDING PROTEIN DEFICIENCY. Identifiers: Orphanet 255182, MedGen C1855553, MONDO:0009503, OMIM 245349.

Submission:

Daryl Scott Lab, Baylor College of Medicine
Classification: Likely pathogenic for Pyruvate dehydrogenase E3-binding protein deficiency. Last evaluated: 2024-04-01. Review status: criteria provided, single submitter. Criteria: ACMG Guidelines, 2015. Collection method: clinical testing. Allele origin: unknown. Observed: 1 heterozygote.
Comment: PVS1, PM2

NM_003477.3(PDHX):c.188C>G (p.Ser63Ter)

Gene: PDHX (pyruvate dehydrogenase complex component X; plus strand). Cytogenetic location: 11p13.
Variant type: single nucleotide variant.
Coding change: c.188C>G on transcript NM_003477.3 (MANE Select); coding-DNA position 188, C replaced by G.
Protein change: p.Ser63Ter; replaces serine 63 with a stop codon.
Molecular consequence: nonsense.
Genome position (GRCh38, 1-based): chr11:34,931,431, C>G. VCF-style: chr11-34931431-C-G. GRCh37 (hg19) VCF-style: chr11-34952978-C-G.
Other names: c.8C>G, p.Ser3Ter (NM_001135024.2); c.188C>G, p.Ser63Ter (NM_001166158.2); short protein forms S3*, S63*.
Identifiers: ClinVar variation 3778761 (VCV003778761.1).